The following is an entry in ClinVar:

NM_002700.3(POU4F3):c.190G>C (p.Asp64His)

Genes: POU4F3 (POU class 4 homeobox 3; plus strand), RBM27-POU4F3 (RBM27-POU4F3 readthrough; plus strand). Cytogenetic location: 5q32.
Variant type: single nucleotide variant.
Coding change: c.190G>C on transcript NM_002700.3 (MANE Select); coding-DNA position 190, G replaced by C.
Protein change: p.Asp64His; replaces aspartic acid 64 with histidine.
Molecular consequence: missense variant. On other transcripts: 3 prime UTR variant (1).
Genome position (GRCh38, 1-based): chr5:146,339,617, G>C. VCF-style: chr5-146339617-G-C. GRCh37 (hg19) VCF-style: chr5-145719180-G-C.
Other names: c.*59G>C (NM_001414499.1); short protein forms D64H.
Identifiers: ClinVar variation 3630496 (VCV003630496.2).

ClinVar aggregate classification (germline): Uncertain significance (1 of 4 stars; one submission).

Submission:

Labcorp Genetics (formerly Invitae), Labcorp
Classification: Uncertain significance. Last evaluated: 2024-10-17. Review status: criteria provided, single submitter. Criteria: Invitae Variant Classification Sherloc (09022015). Collection method: clinical testing. Allele origin: germline.
Comment: This sequence change replaces aspartic acid, which is acidic and polar, with histidine, which is basic and polar, at codon 64 of the POU4F3 protein (p.Asp64His). This variant is not present in population databases (gnomAD no frequency). This variant has not been reported in the literature in individuals affected with POU4F3-related conditions. Invitae Evidence Modeling of protein sequence and biophysical properties (such as structural, functional, and spatial information, amino acid conservation, physicochemical variation, residue mobility, and thermodynamic stability) indicates that this missense variant is not expected to disrupt POU4F3 protein function with a negative predictive value of 80%. In summary, the available evidence is currently insufficient to determine the role of this variant in disease. Therefore, it has been classified as a Variant of Uncertain Significance.